The following is an entry in ClinVar:

NM_032119.4(ADGRV1):c.5521C>T (p.Arg1841Cys)

Gene: ADGRV1 (adhesion G protein-coupled receptor V1; plus strand). Cytogenetic location: 5q14.3.
Variant type: single nucleotide variant.
Coding change: c.5521C>T on transcript NM_032119.4 (MANE Select); coding-DNA position 5521, C replaced by T.
Protein change: p.Arg1841Cys; replaces arginine 1841 with cysteine.
Molecular consequence: missense variant. On other transcripts: non-coding transcript variant (1).
Genome position (GRCh38, 1-based): chr5:90,679,626, C>T. VCF-style: chr5-90679626-C-T. GRCh37 (hg19) VCF-style: chr5-89975443-C-T.
Other names: short protein forms R1841C.
Identifiers: ClinVar variation 1002355 (VCV001002355.12), dbSNP rs367621359, ClinGen allele CA3339591.

ClinVar aggregate classification (germline): Uncertain significance. Review status: criteria provided, multiple submitters, no conflicts (2 of 4 stars). 5 submissions from 5 submitters: Uncertain significance (5). Last evaluated 2026-07-02.

Conditions:
ADGRV1-related disorder. Also called: ADGRV1-related condition; ADGRV1-related disorders.
Usher syndrome type 2C. Also called: Usher syndrome, type 2B; USHER SYNDROME, TYPE IIC. Identifiers: Orphanet 231178, Orphanet 886, MedGen C2931213, MONDO:0011558, OMIM 605472.

Allele frequency attached by ClinVar (database versions not stated): gnomAD 0.00001; gnomAD exomes 0.00002 and 0.00003; TOPMed 0.00002; ExAC 0.00003; ESP Exome Variant Server 0.00008.
gnomAD v4.1: 36 of 1,611,158 alleles (0.0022%); highest among the groups gnomAD compares: East Asian, 0.0067%; no homozygotes.

Submissions (5):

PreventionGenetics, part of Exact Sciences
Classification: Uncertain significance for ADGRV1-related condition. Last evaluated: 2026-07-02. Review status: criteria provided, single submitter. Criteria: ACMG Guidelines, 2015. Collection method: clinical testing. Allele origin: germline.
Comment: The ADGRV1 c.5521C>T variant is predicted to result in the amino acid substitution p.Arg1841Cys. To our knowledge, this variant has not been reported in the literature. This variant is reported in 0.011% of alleles in individuals of East Asian descent in gnomAD. At this time, the clinical significance of this variant is uncertain due to the absence of conclusive functional and genetic evidence.

GeneDx
Classification: Uncertain significance. Last evaluated: 2025-02-12. Review status: criteria provided, single submitter. Criteria: GeneDx Variant Classification Process June 2021. Collection method: clinical testing. Allele origin: germline. Affected: yes.
Comment: In silico analysis indicates that this missense variant does not alter protein structure/function; Has not been previously published as pathogenic or benign to our knowledge

Blueprint Genetics
Classification: Uncertain significance. Last evaluated: 2024-06-06. Review status: criteria provided, single submitter. Criteria: ACMG Guidelines, 2015. Collection method: clinical testing. Allele origin: germline.

Labcorp Genetics (formerly Invitae), Labcorp
Classification: Uncertain significance. Last evaluated: 2022-08-17. Review status: criteria provided, single submitter. Criteria: Invitae Variant Classification Sherloc (09022015). Collection method: clinical testing. Allele origin: germline.
Comment: This sequence change replaces arginine, which is basic and polar, with cysteine, which is neutral and slightly polar, at codon 1841 of the ADGRV1 protein (p.Arg1841Cys). This variant is present in population databases (rs367621359, gnomAD 0.01%). This variant has not been reported in the literature in individuals affected with ADGRV1-related conditions. ClinVar contains an entry for this variant (Variation ID: 1002355). Algorithms developed to predict the effect of missense changes on protein structure and function (SIFT, PolyPhen-2, Align-GVGD) all suggest that this variant is likely to be disruptive. In summary, the available evidence is currently insufficient to determine the role of this variant in disease. Therefore, it has been classified as a Variant of Uncertain Significance.

Victorian Clinical Genetics Services, Murdoch Childrens Research Institute
Classification: Uncertain significance for Usher syndrome type 2C. Last evaluated: 2022-02-02. Review status: criteria provided, single submitter. Criteria: ACMG Guidelines, 2015. Collection method: clinical testing. Allele origin: germline. Inheritance: Autosomal recessive inheritance. Affected: yes.
Comment: Based on the classification scheme VCGS_Germline_v1.3.4, this variant is classified as VUS-3C. Following criteria are met: 0102 - Loss of function is a known mechanism of disease in this gene and is associated with Usher syndrome, type 2C (MIM#605472). (I) 0106 - This gene is associated with autosomal recessive disease. (I) 0200 - Variant is predicted to result in a missense amino acid change from arginine to cysteine. (I) 0251 - This variant is heterozygous. (I) 0304 - Variant is present in gnomAD (v2) <0.01 for a recessive condition (7 heterozygotes, 0 homozygotes). (SP) 0309 - An alternative amino acid change at the same position has been observed in gnomAD (v2) (12 heterozygotes, 0 homozygotes). (I) 0504 - Same amino acid change has been observed in placental mammals. (SB) 0604 - Variant is not located in an established domain, motif, hotspot or informative constraint region. (I) 0809 - Previous evidence of pathogenicity for this variant is inconclusive. This variant has been reported once as a VUS in the ClinVar database. (I) 0905 - No published segregation evidence has been identified for this variant. (I) 1007 - No published functional evidence has been identified for this variant. (I) 1208 - Inheritance information for this variant is not currently available in this individual. (I) Legend: (SP) - Supporting pathogenic, (I) - Information, (SB) - Supporting benign